The following is an entry in ClinVar:

NM_000168.6(GLI3):c.1028+1G>A

Gene: GLI3 (GLI family zinc finger 3; minus strand). Cytogenetic location: 7p14.1.
Variant type: single nucleotide variant.
Coding change: c.1028+1G>A on transcript NM_000168.6 (MANE Select); the canonical splice donor site of the intron after coding-DNA position 1028, G replaced by A.
Molecular consequence: splice donor variant.
Genome position (GRCh38, 1-based): chr7:42,040,037, C>T on the plus strand (G>A on the coding strand, the complement: GLI3 is on the minus strand). VCF-style: chr7-42040037-C-T. GRCh37 (hg19) VCF-style: chr7-42079636-C-T.
Identifiers: ClinVar variation 528802 (VCV000528802.9), dbSNP rs1375768446, ClinGen allele CA367328354.

ClinVar aggregate classification (germline): Pathogenic/Likely pathogenic. Review status: criteria provided, multiple submitters, no conflicts (2 of 4 stars). 2 submissions from 2 submitters: Pathogenic (1); Likely pathogenic (1). Last evaluated 2021-06-01.

Conditions:
Greig cephalopolysyndactyly syndrome (GCPS). Also called: POLYSYNDACTYLY WITH PECULIAR SKULL SHAPE; GLI3-Related Greig Cephalopolysyndactyly Syndrome; Greig syndrome. Identifiers: Orphanet 380, MedGen C0265306, MONDO:0008287, OMIM 175700.
Pallister-Hall syndrome (PHS). Also called: GLI3-Related Pallister-Hall Syndrome; HYPOTHALAMIC HAMARTOBLASTOMA, HYPOPITUITARISM, IMPERFORATE ANUS, AND POSTAXIAL POLYDACTYLY. Identifiers: Orphanet 672, MedGen C0265220, MONDO:0007804, OMIM 146510.
Polydactyly, postaxial, type A1. Identifiers: MedGen C4282400, MONDO:0008266, OMIM 174200.

Allele frequency attached by ClinVar (database versions not stated): gnomAD 0.00001.
gnomAD v4.1: 1 of 1,605,194 alleles (0.000062%); highest among the groups gnomAD compares: Non-Finnish European, 0.000085%; no homozygotes.

Submissions (2):

Institute for Medical Genetics and Human Genetics, Charité - Universitätsmedizin Berlin
Classification: Pathogenic for Polydactyly, postaxial, type A1. Last evaluated: 2021-06-01. Review status: criteria provided, single submitter. Criteria: ACMG Guidelines, 2015. Collection method: research. Allele origin: germline. Inheritance: Autosomal dominant inheritance. Affected: yes. Observed: 1 heterozygote.

Labcorp Genetics (formerly Invitae), Labcorp
Classification: Likely pathogenic for Pallister-Hall syndrome; Greig cephalopolysyndactyly syndrome. Last evaluated: 2017-11-27. Review status: criteria provided, single submitter. Criteria: Invitae Variant Classification Sherloc (09022015). Collection method: clinical testing. Allele origin: germline.
Comment: In summary, the currently available evidence indicates that the variant is pathogenic, but additional data are needed to prove that conclusively. Therefore, this variant has been classified as Likely Pathogenic. Donor and acceptor splice site variants typically lead to a loss of protein function (PMID: 16199547), and loss-of-function variants in GLI3 are known to be pathogenic (PMID: 10441570, 15739154). Algorithms developed to predict the effect of sequence changes on RNA splicing suggest that this variant may disrupt the consensus splice site, but this prediction has not been confirmed by published transcriptional studies. This variant has not been reported in the literature in individuals with GLI3-related disease. This variant is not present in population databases (ExAC no frequency). This sequence change affects a donor splice site in intron 7 of the GLI3 gene. It is expected to disrupt RNA splicing and likely results in an absent or disrupted protein product.

Literature cited by the submitters: PubMed 16199547 (cited by Labcorp Genetics (formerly Invitae), Labcorp); PubMed 10441570 (cited by Labcorp Genetics (formerly Invitae), Labcorp); PubMed 15739154 (cited by Labcorp Genetics (formerly Invitae), Labcorp).